The following is an entry in ClinVar:

NM_001354483.2(CSGALNACT1):c.1006C>A (p.Arg336=)

Gene: CSGALNACT1 (chondroitin sulfate N-acetylgalactosaminyltransferase 1; minus strand). Cytogenetic location: 8p21.3.
Variant type: single nucleotide variant.
Coding change: c.1006C>A on transcript NM_001354483.2 (MANE Select); coding-DNA position 1006, C replaced by A.
Protein change: p.Arg336=; no amino-acid change (arginine 336 retained).
Molecular consequence: synonymous variant. On other transcripts: non-coding transcript variant (7).
Genome position (GRCh38, 1-based): chr8:19,420,466, G>T on the plus strand (C>A on the coding strand, the complement: CSGALNACT1 is on the minus strand). VCF-style: chr8-19420466-G-T. GRCh37 (hg19) VCF-style: chr8-19277977-G-T.
Other names: c.1006C>A, p.Arg336= (NM_001354477.2, NM_001354480.2, NM_001354481.2 and 18 more transcripts).
Identifiers: ClinVar variation 4874792 (VCV004874792.2).

ClinVar aggregate classification (germline): Likely benign (1 of 4 stars; one submission).

gnomAD v4.1: 4 of 1,614,026 alleles (0.00025%); highest among the groups gnomAD compares: African/African-American, 0.004%; no homozygotes.

Submission:

CeGaT Center for Human Genetics Tuebingen
Classification: Likely benign. Last evaluated: 2026-04-01. Review status: criteria provided, single submitter. Criteria: CeGaT Center For Human Genetics Tuebingen Variant Classification Criteria Version 2. Collection method: clinical testing. Allele origin: germline. Affected: yes. Observed: 1 variant allele.
Comment: CSGALNACT1: BP4, BP7